The following is an entry in ClinVar:

ClinVar aggregate classification (germline): Pathogenic (1 of 4 stars; one submission).

gnomAD v4.1: 14 of 1,611,390 alleles (0.00087%); highest among the groups gnomAD compares: Admixed American, 0.0051%; no homozygotes.

Submission:

Labcorp Genetics (formerly Invitae), Labcorp
Classification: Pathogenic. Last evaluated: 2025-09-15. Review status: criteria provided, single submitter. Criteria: Invitae Variant Classification Sherloc (09022015). Collection method: clinical testing. Allele origin: germline.
Comment: This sequence change creates a premature translational stop signal (p.Arg271*) in the RTTN gene. It is expected to result in an absent or disrupted protein product. Loss-of-function variants in RTTN are known to be pathogenic (PMID: 26608784, 26846091). This variant is present in population databases (rs774507438, gnomAD 0.009%). This variant has not been reported in the literature in individuals affected with RTTN-related conditions. Algorithms developed to predict the effect of sequence changes on RNA splicing suggest that this variant may disrupt the consensus splice site. For these reasons, this variant has been classified as Pathogenic.

Literature cited by the submitters: PubMed 26608784; PubMed 26846091.

NM_173630.4(RTTN):c.811C>T (p.Arg271Ter)

Gene: RTTN (rotatin; minus strand). Cytogenetic location: 18q22.2.
Variant type: single nucleotide variant.
Coding change: c.811C>T on transcript NM_173630.4 (MANE Select); coding-DNA position 811, C replaced by T.
Protein change: p.Arg271Ter; replaces arginine 271 with a stop codon.
Molecular consequence: nonsense. On other transcripts: 5 prime UTR variant (1).
Genome position (GRCh38, 1-based): chr18:70,196,531, G>A on the plus strand (C>T on the coding strand, the complement: RTTN is on the minus strand). VCF-style: chr18-70196531-G-A. GRCh37 (hg19) VCF-style: chr18-67863767-G-A.
Other names: c.-1743C>T (NM_001318520.2); short protein forms R271*.
Identifiers: ClinVar variation 4691804 (VCV004691804.1).
Genomic context (GRCh38, chr18:70,196,531, plus strand): 5'-AGTGGCTAATGAACAGATAAAAATAAATACCGTGTTTATTGGAGAAAAAACCTGGATCTC[G>A]GTGAAAGTTAAGTCTGTTTCTTAAATACATGCACAGCTGCTGCAGGCAGGACACCGACTG-3'